The following is an entry in ClinVar:

NM_001012339.3(DNAJC21):c.1262A>G (p.Gln421Arg)

Gene: DNAJC21 (DnaJ heat shock protein family (Hsp40) member C21; plus strand). Cytogenetic location: 5p13.2.
Variant type: single nucleotide variant.
Coding change: c.1262A>G on transcript NM_001012339.3 (MANE Select); coding-DNA position 1262, A replaced by G.
Protein change: p.Gln421Arg; replaces glutamine 421 with arginine.
Molecular consequence: missense variant.
Genome position (GRCh38, 1-based): chr5:34,950,246, A>G. VCF-style: chr5-34950246-A-G. GRCh37 (hg19) VCF-style: chr5-34950351-A-G.
Other names: c.1301A>G, p.Gln434Arg (NM_001348420.2); c.1397A>G, p.Gln466Arg (NM_194283.4); short protein forms Q421R, Q434R, Q466R.
Identifiers: ClinVar variation 1422878 (VCV001422878.8), dbSNP rs1258669841, ClinGen allele CA359422781.
Genomic context (GRCh38, chr5:34,950,246, plus strand): 5'-TCAATGTAAATGGACCTGGAGAAGGAGTAAAGGTTGATCCAGAAGATACTAACTTAAATC[A>G]AGACAGTGCCAAAGAATTGGAAGATAGTCCCCAGGAAAATGTCAGTGTCACAGAGATCAT-3'
Protein context (NP_001012339.2, residues 411-431): KVDPEDTNLN[Gln421Arg]DSAKELEDSP

ClinVar aggregate classification (germline): Uncertain significance (1 of 4 stars; one submission).

Allele frequency attached by ClinVar (database versions not stated): gnomAD exomes below 0.00001 and 0.00003; gnomAD 0.00001; TOPMed 0.00001.

Submission:

Labcorp Genetics (formerly Invitae), Labcorp
Classification: Uncertain significance. Last evaluated: 2020-11-14. Review status: criteria provided, single submitter. Criteria: Invitae Variant Classification Sherloc (09022015). Collection method: clinical testing. Allele origin: germline.
Comment: In summary, the available evidence is currently insufficient to determine the role of this variant in disease. Therefore, it has been classified as a Variant of Uncertain Significance. Algorithms developed to predict the effect of missense changes on protein structure and function (SIFT, PolyPhen-2, Align-GVGD) all suggest that this variant is likely to be tolerated, but these predictions have not been confirmed by published functional studies and their clinical significance is uncertain. This variant has not been reported in the literature in individuals with DNAJC21-related conditions. This variant is not present in population databases (ExAC no frequency). This sequence change replaces glutamine with arginine at codon 421 of the DNAJC21 protein (p.Gln421Arg). The glutamine residue is moderately conserved and there is a small physicochemical difference between glutamine and arginine.